The following is an entry in ClinVar:

ClinVar aggregate classification (germline): Uncertain significance (1 of 4 stars; one submission).

Conditions:
Joubert syndrome 23 (JBTS23). Identifiers: Orphanet 475, MedGen C4084822, MONDO:0014664, OMIM 616490.
Short-rib thoracic dysplasia 14 with polydactyly (SRTD14). Identifiers: Orphanet 397715, MedGen C4225286, MONDO:0014688, OMIM 616546.

gnomAD v4.1: 1 of 1,606,586 alleles (0.000062%); highest among the groups gnomAD compares: Non-Finnish European, 0.000085%; no homozygotes.

Submission:

Labcorp Genetics (formerly Invitae), Labcorp
Classification: Uncertain significance for Joubert syndrome 23; Short-rib thoracic dysplasia 14 with polydactyly. Last evaluated: 2024-06-08. Review status: criteria provided, single submitter. Criteria: Invitae Variant Classification Sherloc (09022015). Collection method: clinical testing. Allele origin: germline.
Comment: This sequence change replaces glutamic acid, which is acidic and polar, with glycine, which is neutral and non-polar, at codon 421 of the KIAA0586 protein (p.Glu421Gly). This variant is not present in population databases (gnomAD no frequency). This variant has not been reported in the literature in individuals affected with KIAA0586-related conditions. Advanced modeling of protein sequence and biophysical properties (such as structural, functional, and spatial information, amino acid conservation, physicochemical variation, residue mobility, and thermodynamic stability) performed at Invitae indicates that this missense variant is expected to disrupt KIAA0586 protein function with a positive predictive value of 80%. In summary, the available evidence is currently insufficient to determine the role of this variant in disease. Therefore, it has been classified as a Variant of Uncertain Significance.

NM_001329943.3(KIAA0586):c.1103A>G (p.Glu368Gly)

Gene: KIAA0586 (KIAA0586; plus strand). Cytogenetic location: 14q23.1.
Variant type: single nucleotide variant.
Coding change: c.1103A>G on transcript NM_001329943.3 (MANE Select); coding-DNA position 1103, A replaced by G.
Protein change: p.Glu368Gly; replaces glutamic acid 368 with glycine.
Molecular consequence: missense variant.
Genome position (GRCh38, 1-based): chr14:58,450,720, A>G. VCF-style: chr14-58450720-A-G. GRCh37 (hg19) VCF-style: chr14-58917438-A-G.
Other names: c.1262A>G, p.Glu421Gly (NM_001244189.2); c.1058A>G, p.Glu353Gly (NM_001244190.2); c.848A>G, p.Glu283Gly (NM_001244191.2, NM_001329945.2, NM_001364700.1 and 1 more transcripts); c.971A>G, p.Glu324Gly (NM_001244192.2); c.683A>G, p.Glu228Gly (NM_001244193.2); c.1103A>G, p.Glu368Gly (NM_001329944.2, NM_001329946.2, NM_001329947.2 and 1 more transcripts); short protein forms E228G, E283G, E324G, E353G, E368G, E421G.
Identifiers: ClinVar variation 3748513 (VCV003748513.2).